The following is an entry in ClinVar:

NM_004612.4(TGFBR1):c.-33_-4del

Genes: TGFBR1 (transforming growth factor beta receptor 1; plus strand), LOC130002223 (ATAC-STARR-seq lymphoblastoid silent region 20124; plus strand). Cytogenetic location: 9q22.33.
Variant type: Deletion.
Coding change: c.-33_-4del on transcript NM_004612.4 (MANE Select); 33 bases upstream of the start codon through 4 bases upstream of the start codon, 30 bases deleted (CCGGGCCGGGCCACAGGCGGTGGCGGCGGG).
Molecular consequence: 5 prime UTR variant. On other transcripts: intron variant (8), non-coding transcript variant (4).
Genome position (GRCh38, 1-based): chr9:99,105,173-99,105,202, CCGGGCCGGGCCACAGGCGGTGGCGGCGGG deleted; deleting any 30 consecutive bases within chr9:99,105,169-99,105,202 gives the same sequence; the c. name uses the placement nearest the transcript's 3' end. VCF-style (leftmost placement, unchanged base first): chr9-99105168-CCGGGCCGGGCCGGGCCACAGGCGGTGGCGG-C. GRCh37 (hg19) VCF-style: chr9-101867450-CCGGGCCGGGCCGGGCCACAGGCGGTGGCGG-C.
Other names: c.-111+1432_-111+1461del (NM_001407418.1, NM_001407423.1); c.-111+1067_-111+1096del (NM_001407424.1); c.-111+654_-111+683del (NM_001407425.1); c.-111+447_-111+476del (NM_001407434.1); c.-247+48_-247+77del (NM_001407432.1); c.-111+48_-111+77del (NM_001407419.1, NM_001407433.1); c.-33_-4del (NM_001130916.3, NM_001306210.2, NM_001407416.1 and 5 more transcripts); c.-376_-347del (NM_001407420.1, NM_001407429.1); and 2 more.
Identifiers: ClinVar variation 4843193 (VCV004843193.1).

ClinVar aggregate classification (germline): Uncertain significance (1 of 4 stars; one submission).

Conditions:
Familial thoracic aortic aneurysm and aortic dissection (TAAD). Also called: Thoracic aortic aneurysms and dissections. Identifiers: Orphanet 91387, MedGen C4707243, MONDO:0019625.

Submission:

Ambry Genetics
Classification: Uncertain significance for Familial thoracic aortic aneurysm and aortic dissection. Last evaluated: 2025-12-18. Review status: criteria provided, single submitter. Criteria: Ambry Variant Classification Scheme 2023. Collection method: clinical testing. Allele origin: germline.
Comment: The c.-33_-4del30 variant is located in the 5' untranslated region (5&rsquo;UTR) of the TGFBR1 gene. This variant results from a deletion of 30 nucleotides from positions -33 to -4 upstream from the first translated codon. This variant was reported in individual(s) with features consistent with Loeys-Dietz syndrome (Ambry internal data). This nucleotide region ranges from highly conserved to well conserved in available vertebrate species. Based on the available evidence, the clinical significance of this variant remains unclear.